The following is an entry in ClinVar:

NM_004655.4(AXIN2):c.1640G>A (p.Ser547Asn)

Gene: AXIN2 (axin 2; minus strand). Cytogenetic location: 17q24.1.
Variant type: single nucleotide variant.
Coding change: c.1640G>A on transcript NM_004655.4 (MANE Select); coding-DNA position 1640, G replaced by A.
Protein change: p.Ser547Asn; replaces serine 547 with asparagine.
Molecular consequence: missense variant.
Genome position (GRCh38, 1-based): chr17:65,537,396, C>T on the plus strand (G>A on the coding strand, the complement: AXIN2 is on the minus strand). VCF-style: chr17-65537396-C-T. GRCh37 (hg19) VCF-style: chr17-63533514-C-T.
Other names: c.1640G>A, p.Ser547Asn (NM_001363813.1); short protein forms S547N.
Identifiers: ClinVar variation 1059488 (VCV001059488.9), dbSNP rs764903794, ClinGen allele CA8718586.

ClinVar aggregate classification (germline): Uncertain significance (1 of 4 stars; one submission).

Conditions:
Oligodontia-cancer predisposition syndrome. Also called: TOOTH AGENESIS-COLORECTAL CANCER SYNDROME. Identifiers: Orphanet 300576, MedGen C1837750, MONDO:0012075, OMIM 608615. Disease mechanism: loss of function.

Allele frequency attached by ClinVar (database versions not stated): ExAC 0.00001.

Submission:

Labcorp Genetics (formerly Invitae), Labcorp
Classification: Uncertain significance for Oligodontia-cancer predisposition syndrome. Last evaluated: 2024-06-19. Review status: criteria provided, single submitter. Criteria: Invitae Variant Classification Sherloc (09022015). Collection method: clinical testing. Allele origin: germline.
Comment: This sequence change replaces serine, which is neutral and polar, with asparagine, which is neutral and polar, at codon 547 of the AXIN2 protein (p.Ser547Asn). This variant is present in population databases (rs764903794, gnomAD 0.0009%). This variant has not been reported in the literature in individuals affected with AXIN2-related conditions. ClinVar contains an entry for this variant (Variation ID: 1059488). Advanced modeling of protein sequence and biophysical properties (such as structural, functional, and spatial information, amino acid conservation, physicochemical variation, residue mobility, and thermodynamic stability) performed at Invitae indicates that this missense variant is not expected to disrupt AXIN2 protein function with a negative predictive value of 80%. In summary, the available evidence is currently insufficient to determine the role of this variant in disease. Therefore, it has been classified as a Variant of Uncertain Significance.